The following is an entry in ClinVar:

NM_032447.5(FBN3):c.3932G>C (p.Gly1311Ala)

Gene: FBN3 (fibrillin 3; minus strand). Cytogenetic location: 19p13.2.
Variant type: single nucleotide variant.
Coding change: c.3932G>C on transcript NM_032447.5 (MANE Select); coding-DNA position 3932, G replaced by C.
Protein change: p.Gly1311Ala; replaces glycine 1311 with alanine.
Molecular consequence: missense variant.
Genome position (GRCh38, 1-based): chr19:8,112,006, C>G on the plus strand (G>C on the coding strand, the complement: FBN3 is on the minus strand). VCF-style: chr19-8112006-C-G. GRCh37 (hg19) VCF-style: chr19-8176890-C-G.
Other names: c.3932G>C, p.Gly1311Ala (NM_001321431.2); c.3932G>C (NM_001321431.1); short protein forms G1311A.
Identifiers: ClinVar variation 1598697 (VCV001598697.11), dbSNP rs76318007, ClinGen allele CA9152269.
Genomic context (GRCh38, chr19:8,112,006, plus strand): 5'-TTGCCCCCACTCCCTGCCCCCAGGTACTCACCGTGACATTCGAAGCCATCCCCCACCCAG[C>G]CTGGCAGGCACCTACAGCTGAAACTCCCCGGGATGTTGAGACAGGAGGCGTGACTGTCAC-3'
Protein context (NP_115823.3, residues 1301-1321): PGSFSCRCLP[Gly1311Ala]WVGDGFECHD

ClinVar aggregate classification (germline): Benign. Review status: criteria provided, multiple submitters, no conflicts (2 of 4 stars). 3 submissions from 3 submitters: Benign (2). 1 of the submissions does not count toward it. Last evaluated 2026-02-03.

Conditions:
FBN3-related disorder. Also called: FBN3-related condition.

Allele frequency attached by ClinVar (database versions not stated): 1000 Genomes Project 30x 0.00375; 1000 Genomes Project 0.00379; TOPMed 0.00869; gnomAD exomes 0.00943 and 0.01465; gnomAD 0.00991 and 0.01044; ExAC 0.01037; ESP Exome Variant Server 0.01161.
gnomAD v4.1: 22,671 of 1,611,290 alleles (1.4%); highest among the groups gnomAD compares: Non-Finnish European, 1.7%; 227 homozygotes.

Submissions (3):

Labcorp Genetics (formerly Invitae), Labcorp
Classification: Benign. Last evaluated: 2026-02-03. Review status: criteria provided, single submitter. Criteria: Invitae Variant Classification Sherloc (09022015). Collection method: clinical testing. Allele origin: germline.

Breakthrough Genomics
Classification: Benign. Review status: criteria provided, single submitter. Criteria: ACMG Guidelines, 2015. Collection method: not provided. Allele origin: germline. Inheritance: Unknown mechanism. Affected: yes.

PreventionGenetics, part of Exact Sciences
Classification: Benign for FBN3-related condition. Last evaluated: 2019-05-23. Review status: no assertion criteria provided. Collection method: clinical testing. Allele origin: germline. Not counted in ClinVar's aggregate classification.
Comment: This variant is classified as benign based on ACMG/AMP sequence variant interpretation guidelines (Richards et al. 2015 PMID: 25741868, with internal and published modifications).